The following is an entry in ClinVar:

ClinVar aggregate classification (germline): Uncertain significance (1 of 4 stars; one submission).

Conditions:
Progressive myoclonic epilepsy type 5. Identifiers: Orphanet 402082, MedGen C5190799.

gnomAD v4.1: 4 of 1,612,312 alleles (0.00025%); highest among the groups gnomAD compares: Non-Finnish European, 0.00034%; no homozygotes.

Submission:

Labcorp Genetics (formerly Invitae), Labcorp
Classification: Uncertain significance for Progressive myoclonic epilepsy type 5. Last evaluated: 2024-09-24. Review status: criteria provided, single submitter. Criteria: Invitae Variant Classification Sherloc (09022015). Collection method: clinical testing. Allele origin: germline.
Comment: This sequence change replaces proline, which is neutral and non-polar, with serine, which is neutral and polar, at codon 430 of the PRICKLE2 protein (p.Pro430Ser). This variant is not present in population databases (gnomAD no frequency). This variant has not been reported in the literature in individuals affected with PRICKLE2-related conditions. Invitae Evidence Modeling of protein sequence and biophysical properties (such as structural, functional, and spatial information, amino acid conservation, physicochemical variation, residue mobility, and thermodynamic stability) indicates that this missense variant is not expected to disrupt PRICKLE2 protein function with a negative predictive value of 80%. In summary, the available evidence is currently insufficient to determine the role of this variant in disease. Therefore, it has been classified as a Variant of Uncertain Significance.

NM_198859.4(PRICKLE2):c.1288C>T (p.Pro430Ser)

Gene: PRICKLE2 (prickle planar cell polarity protein 2; minus strand). Cytogenetic location: 3p14.1.
Variant type: single nucleotide variant.
Coding change: c.1288C>T on transcript NM_198859.4 (MANE Select); coding-DNA position 1288, C replaced by T.
Protein change: p.Pro430Ser; replaces proline 430 with serine.
Molecular consequence: missense variant.
Genome position (GRCh38, 1-based): chr3:64,147,202, G>A on the plus strand (C>T on the coding strand, the complement: PRICKLE2 is on the minus strand). VCF-style: chr3-64147202-G-A. GRCh37 (hg19) VCF-style: chr3-64132878-G-A.
Other names: c.1288C>T, p.Pro430Ser (NM_001370528.1); short protein forms P430S.
Identifiers: ClinVar variation 3620840 (VCV003620840.2).